The following is an entry in ClinVar:

NM_001201543.2(FAM161A):c.2121AGA[1] (p.Glu709del)

Gene: FAM161A (FAM161 centrosomal protein A; minus strand). Cytogenetic location: 2p15.
Variant type: Microsatellite.
Coding change: c.2121AGA[1] on transcript NM_001201543.2 (MANE Select); one copy of the 3-base unit AGA starting at c.2121; the reference has two copies in a row; one copy, 3 bases deleted; also written c.2124_2126del.
Protein change: p.Glu709del; deletes glutamic acid 709.
Molecular consequence: inframe deletion. On other transcripts: non-coding transcript variant (1).
Genome position (GRCh38, 1-based): chr2:61,826,480-61,826,482, TCT deleted on the plus strand (AGA on the coding strand, the reverse complement: FAM161A is on the minus strand); deleting any 3 consecutive bases within chr2:61,826,480-61,826,487 gives the same sequence; the position shown is the placement nearest the transcript's 3' end. VCF-style (leftmost placement, unchanged base first): chr2-61826479-CTCT-C. GRCh37 (hg19) VCF-style: chr2-62053614-CTCT-C.
Other names: c.1953AGA[1], p.Glu653del (NM_032180.3); c.2124_2126del (NM_001201543.2, NM_001201543.1); c.2124_2126delAGA (NM_001201543.2); short protein forms E709del, E653del.
Identifiers: ClinVar variation 553904 (VCV000553904.11), dbSNP rs558080743, ClinGen allele CA1678941.
Genomic context (GRCh38, chr2:61,826,479, plus strand): 5'-ACAACAGCAAGGGCATAGAGAGGAGACCTTGATGATTCAGTGTGATTCTTCAACAGATTT[CTCT>C]TCTTCACTTTCCTCATTGGCTTCATCTTTTTCCTTGTAAGAATCCTGGCTGTTGGTATCA-3'

ClinVar aggregate classification (germline): Conflicting classifications of pathogenicity. Review status: criteria provided, conflicting classifications (1 of 4 stars). 6 submissions from 6 submitters: Uncertain significance (2); Likely benign (1). 3 of the submissions do not count toward it. Last evaluated 2026-03-11.

Conditions:
Retinitis pigmentosa (RP). Identifiers: Orphanet 791, MedGen C0035334, MeSH D012174, MONDO:0019200, OMIM 268000. Inheritance: Autosomal dominant, autosomal recessive and X linked inheritance.
Retinitis pigmentosa 28 (RP28). Identifiers: Orphanet 791, MedGen C1419614, MONDO:0011630, OMIM 606068.
FAM161A-related disorder. Also called: FAM161A-related condition.
Retinal dystrophy. Also called: Inherited retinal dystrophy. Identifiers: Orphanet 71862, MedGen C0854723, MeSH D058499, MONDO:0019118, HP:0000556.

Submissions (6):

PreventionGenetics, part of Exact Sciences
Classification: Uncertain significance for FAM161A-related condition. Last evaluated: 2026-03-11. Review status: criteria provided, single submitter. Criteria: ACMG Guidelines, 2015. Collection method: clinical testing. Allele origin: germline.
Comment: The FAM161A c.2124_2126delAGA variant is predicted to result in an in-frame deletion (p.Glu709del). To our knowledge, this variant has not been reported in the literature. This variant is reported in 0.087% of alleles in individuals of European (Non-Finnish) descent in gnomAD, which may be too frequent to be a primary cause of disease. Although we suspect that this variant may be benign, at this time, the clinical significance of this variant is uncertain due to the absence of conclusive functional and genetic evidence.

Blueprint Genetics
Classification: Likely benign. Last evaluated: 2024-11-20. Review status: criteria provided, single submitter. Criteria: ACMG Guidelines, 2015. Collection method: clinical testing. Allele origin: germline.

Labcorp Genetics (formerly Invitae), Labcorp
Classification: Uncertain significance. Last evaluated: 2024-11-05. Review status: criteria provided, single submitter. Criteria: Invitae Variant Classification Sherloc (09022015). Collection method: clinical testing. Allele origin: germline.
Comment: This variant, c.2124_2126del, results in the deletion of 1 amino acid(s) of the FAM161A protein (p.Glu709del), but otherwise preserves the integrity of the reading frame. This variant is present in population databases (rs558080743, gnomAD 0.09%), and has an allele count higher than expected for a pathogenic variant. This variant has not been reported in the literature in individuals affected with FAM161A-related conditions. ClinVar contains an entry for this variant (Variation ID: 553904). Experimental studies and prediction algorithms are not available or were not evaluated, and the functional significance of this variant is currently unknown. In summary, the available evidence is currently insufficient to determine the role of this variant in disease. Therefore, it has been classified as a Variant of Uncertain Significance.

Institute of Human Genetics, Univ. Regensburg, Univ. Regensburg
Classification: Uncertain significance for Retinal dystrophy. Last evaluated: 2023-01-01. Review status: no assertion criteria provided. Criteria: ACMG Guidelines, 2015. Collection method: clinical testing. Allele origin: germline. Affected: yes. Not counted in ClinVar's aggregate classification.

Natera, Inc.
Classification: Uncertain significance for Retinitis pigmentosa. Last evaluated: 2020-09-16. Review status: no assertion criteria provided. Collection method: clinical testing. Allele origin: germline. Not counted in ClinVar's aggregate classification.

Counsyl
Classification: Uncertain significance for Retinitis pigmentosa 28. Last evaluated: 2017-09-19. Review status: no assertion criteria provided. Collection method: clinical testing. Allele origin: unknown. Not counted in ClinVar's aggregate classification.

Literature cited by the submitters: PubMed 25097241 (cited by Counsyl).